The following is an entry in ClinVar:

ClinVar aggregate classification (germline): Uncertain significance (0 of 4 stars; one submission).

Conditions:
INPP5E-related disorder. Also called: INPP5E-related condition.

gnomAD v4.1: 1 of 1,612,452 alleles (0.000062%); highest among the groups gnomAD compares: East Asian, 0.0022%; no homozygotes.

Submission:

PreventionGenetics, part of Exact Sciences
Classification: Uncertain significance for INPP5E-related condition. Last evaluated: 2024-02-07. Review status: no assertion criteria provided. Collection method: clinical testing. Allele origin: germline.
Comment: The INPP5E c.1414G>A variant is predicted to result in the amino acid substitution p.Val472Met. To our knowledge, this variant has not been reported in the literature or in a large population database, indicating this variant is rare. At this time, the clinical significance of this variant is uncertain due to the absence of conclusive functional and genetic evidence.

NM_019892.6(INPP5E):c.1414G>A (p.Val472Met)

Gene: INPP5E (inositol polyphosphate-5-phosphatase E; minus strand). Cytogenetic location: 9q34.3.
Variant type: single nucleotide variant.
Coding change: c.1414G>A on transcript NM_019892.6 (MANE Select); coding-DNA position 1414, G replaced by A.
Protein change: p.Val472Met; replaces valine 472 with methionine.
Molecular consequence: missense variant.
Genome position (GRCh38, 1-based): chr9:136,431,959, C>T on the plus strand (G>A on the coding strand, the complement: INPP5E is on the minus strand). VCF-style: chr9-136431959-C-T. GRCh37 (hg19) VCF-style: chr9-139326411-C-T.
Other names: c.1411G>A, p.Val471Met (NM_001318502.2); short protein forms V471M, V472M.
Identifiers: ClinVar variation 3348585 (VCV003348585.1).
Genomic context (GRCh38, chr9:136,431,959, plus strand): 5'-GGGCGTCCACGACTGTGCGCCCGCCACTCAGGCGGAAGTTGAAGTCTCCAAACCAGAACA[C>T]CTCATCGAAGCGGGTGGTGACGTCCGCTGCGGCACAGTGGGCCATGTGTGGGCACAGGCA-3'
Protein context (NP_063945.2, residues 462-482): AADVTTRFDE[Val472Met]FWFGDFNFRL